The following is an entry in ClinVar:

ClinVar aggregate classification (germline): Conflicting classifications of pathogenicity. Review status: criteria provided, conflicting classifications (1 of 4 stars). 4 submissions from 3 submitters: Uncertain significance (2); Likely benign (1). 1 of the submissions does not count toward it. Last evaluated 2025-10-01.

Conditions:
Maturity-onset diabetes of the young (MODY). Also called: Maturity onset diabetes mellitus in young. Identifiers: Orphanet 552, MedGen C0342276, MONDO:0018911, HP:0004904.
Hereditary hyperinsulinism.
Transitory neonatal diabetes mellitus. Also called: Transient neonatal diabetes mellitus. Identifiers: MedGen C0342273, MONDO:0020525, HP:0008255.

Allele frequency attached by ClinVar (database versions not stated): ExAC 0.00003; gnomAD exomes 0.00003 and 0.00014; ESP Exome Variant Server 0.00008; gnomAD 0.00009; TOPMed 0.00009.
gnomAD v4.1: 218 of 1,611,624 alleles (0.014%); highest among the groups gnomAD compares: Middle Eastern, 0.033%; no homozygotes.

Submissions (4):

Labcorp Genetics (formerly Invitae), Labcorp
Classification: Likely benign. Last evaluated: 2025-10-01. Review status: criteria provided, single submitter. Criteria: Invitae Variant Classification Sherloc (09022015). Collection method: clinical testing. Allele origin: germline.

Clinical Genomics, Uppaluri K&H Personalized Medicine Clinic
Classification: Uncertain significance for Maturity-onset diabetes of the young. Review status: criteria provided, single submitter. Criteria: K & H Uppaluri Personalized Medicine Clinic Variant Classification & Assertion Criteria_Updated V.1. Collection method: research. Allele origin: somatic. Inheritance: Somatic mutation.
Comment: Mutations in ABCC8 gene are associated with both neonatal diabetes mellitus as well as MODY. Patients with this mutation may have a better response to sulfonylureas. However, no sufficient evidence is found to ascertain the role of this particular variant ( rs144200345) in MODY yet.

Clinical Genomics, Uppaluri K&H Personalized Medicine Clinic
Classification: Uncertain significance for Transitory neonatal diabetes mellitus. Review status: criteria provided, single submitter. Criteria: K & H Uppaluri Personalized Medicine Clinic Variant Classification & Assertion Criteria_Updated V.1. Collection method: research. Allele origin: somatic. Inheritance: Somatic mutation.
Comment: Mutations in ABCC8 gene are associated with both neonatal diabetes mellitus as well as MODY. Patients with this mutation may have a better response to sulfonylureas. However, no sufficient evidence is found to ascertain the role of this particular variant ( rs144200345) in neonatal diabetes yet.

Natera, Inc.
Classification: Uncertain significance for Hereditary hyperinsulinism. Last evaluated: 2020-04-10. Review status: no assertion criteria provided. Collection method: clinical testing. Allele origin: germline. Not counted in ClinVar's aggregate classification.

Literature cited by the submitters: PubMed 16885549 (cited by Clinical Genomics, Uppaluri K&H Personalized Medicine Clinic); PubMed 21989597 (cited by Clinical Genomics, Uppaluri K&H Personalized Medicine Clinic); PubMed 27538677 (cited by Clinical Genomics, Uppaluri K&H Personalized Medicine Clinic); PubMed 18981553 (cited by Clinical Genomics, Uppaluri K&H Personalized Medicine Clinic); PubMed 32027066 (cited by Clinical Genomics, Uppaluri K&H Personalized Medicine Clinic); PubMed 16613899 (cited by Clinical Genomics, Uppaluri K&H Personalized Medicine Clinic); PubMed 18025408 (cited by Clinical Genomics, Uppaluri K&H Personalized Medicine Clinic); PubMed 32792356 (cited by Clinical Genomics, Uppaluri K&H Personalized Medicine Clinic).

NM_000352.6(ABCC8):c.2544C>T (p.Asn848=)

Gene: ABCC8 (ATP binding cassette subfamily C member 8; minus strand). Cytogenetic location: 11p15.1.
Variant type: single nucleotide variant.
Coding change: c.2544C>T on transcript NM_000352.6 (MANE Select); coding-DNA position 2544, C replaced by T.
Protein change: p.Asn848=; no amino-acid change (asparagine 848 retained).
Molecular consequence: synonymous variant. On other transcripts: non-coding transcript variant (1).
Genome position (GRCh38, 1-based): chr11:17,412,678, G>A on the plus strand (C>T on the coding strand, the complement: ABCC8 is on the minus strand). VCF-style: chr11-17412678-G-A. GRCh37 (hg19) VCF-style: chr11-17434225-G-A.
Other names: c.2547C>T, p.Asn849= (NM_001287174.3); c.2610C>T, p.Asn870= (NM_001351295.2); c.2544C>T, p.Asn848= (NM_001351296.2); c.2541C>T, p.Asn847= (NM_001351297.2).
Identifiers: ClinVar variation 990401 (VCV000990401.11), dbSNP rs144200345, ClinGen allele CA5903098.
Genomic context (GRCh38, chr11:17,412,678, plus strand): 5'-GCCTGGGAGGCAGCCAGAGACCAGGACCCCAAGGGAACTTGCACTCACCAAGAAGACAAC[G>A]TTGGCGTGCTGGTAGAGGGCTCGGGCCACACTGATTCGCTGGCGTTGACCACCAGACAGG-3'
Protein context (NP_000343.2, residues 838-858): SVARALYQHA[Asn848=]VVFLDDPFSA